The following is an entry in ClinVar:

ClinVar aggregate classification (germline): Uncertain significance (1 of 4 stars; one submission).

Conditions:
Hereditary cancer-predisposing syndrome. Also called: Tumor predisposition; Neoplastic Syndromes, Hereditary; Hereditary Cancer Syndrome; Hereditary neoplastic syndrome. Identifiers: Orphanet 140162, MedGen C0027672, MeSH D009386, MONDO:0015356.

Submission:

Color Diagnostics, LLC DBA Color Health
Classification: Uncertain significance for Hereditary cancer-predisposing syndrome. Last evaluated: 2024-03-07. Review status: criteria provided, single submitter. Criteria: ACMG Guidelines, 2015. Collection method: clinical testing. Allele origin: germline.
Comment: This missense variant replaces methionine with lysine at codon 2550 of the ATM protein. Computational prediction suggests that this variant may not impact protein structure and function (internally defined REVEL score threshold <= 0.5, PMID: 27666373). To our knowledge, functional studies have not been reported for this variant. This variant has not been reported in individuals affected with hereditary cancer in the literature. This variant has not been identified in the general population by the Genome Aggregation Database (gnomAD). The available evidence is insufficient to determine the role of this variant in disease conclusively. Therefore, this variant is classified as a Variant of Uncertain Significance.

NM_000051.4(ATM):c.7649T>A (p.Met2550Lys)

Genes: ATM (ATM serine/threonine kinase; plus strand), C11orf65 (chromosome 11 open reading frame 65; minus strand). Cytogenetic location: 11q22.3.
Variant type: single nucleotide variant.
Coding change: c.7649T>A on transcript NM_000051.4 (MANE Select); coding-DNA position 7649, T replaced by A.
Protein change: p.Met2550Lys; replaces methionine 2550 with lysine.
Molecular consequence: missense variant. On other transcripts: intron variant (2).
Genome position (GRCh38, 1-based): chr11:108,331,898, T>A. VCF-style: chr11-108331898-T-A. GRCh37 (hg19) VCF-style: chr11-108202625-T-A.
Other names: c.7649T>A, p.Met2550Lys (NM_001351834.2); c.641-22827A>T (NM_001330368.2); c.*38+3322A>T (NM_001351110.2); short protein forms M2550K.
Identifiers: ClinVar variation 2774715 (VCV002774715.1), dbSNP rs2547281611, ClinGen allele CA382560924.
Genomic context (GRCh38, chr11:108,331,898, plus strand): 5'-TTTTGTTTATTTGCATAAATCTAATAGTTCTTTTCTTACAGCTAATCTCTAGAATTTCAA[T>A]GGATCACCCCCATCACACTTTGTTTATTATACTGGCCTTAGCAAATGCAAACAGAGATGA-3'
Protein context (NP_000042.3, residues 2540-2560): VLNNLISRIS[Met2550Lys]DHPHHTLFII